The following is an entry in ClinVar:

ClinVar aggregate classification (germline): Uncertain significance. Review status: reviewed by expert panel (3 of 4 stars). 16 submissions from 16 submitters: Uncertain significance (1). 15 of the submissions do not count toward it. Last evaluated 2024-03-15.

Conditions:
Cardiovascular phenotype. Identifiers: MedGen CN230736.
Telangiectasia, hereditary hemorrhagic, type 1 (HHT1). Also called: Osler Weber Rendu syndrome type 1; ENG-Related Hereditary Hemorrhagic Telangiectasia. Identifiers: Orphanet 774, MedGen C4551861, MONDO:0008535, OMIM 187300. Disease mechanism: loss of function.
Hereditary hemorrhagic telangiectasia (HHT). Also called: ORW DISEASE; Osler Weber Rendu syndrome; OSLER-RENDU-WEBER DISEASE; Osler hemorrhagic telangiectasia syndrome. Identifiers: Orphanet 774, MedGen C0039445, MONDO:0019180. Disease mechanism: loss of function.
ENG-related disorder. Also called: ENG-related condition; ENG-related disorders.

Allele frequency attached by ClinVar (database versions not stated): TOPMed 0.00041; gnomAD exomes 0.00083; gnomAD 0.00042 and 0.00040; ESP Exome Variant Server 0.00062; ExAC 0.00078.

Submissions 1 to 9 of 16:

ClinGen Hereditary Hemorrhagic Telangiectasia Variant Curation Expert Panel, ClinGen
Classification: Uncertain significance for Telangiectasia, hereditary hemorrhagic, type 1. Last evaluated: 2024-03-15. Review status: reviewed by expert panel. Criteria: ClinGen HHT ACMG Specifications ENG V1.1.0. Collection method: curation. Allele origin: germline. Inheritance: Autosomal dominant inheritance.
Comment: The NM_001114753.3: c.-9G>A variant is located in the 5' UTR of ENG. Because the variant is located in the 5' UTR, is it not expected to alter the amino acid sequence. The highest population minor allele frequency in gnomAD v2.1.1 is 0.0007942 (76/95698 alleles) in the European (non-Finnish) population. This variant has been observed in patients with an alternate molecular basis for disease (patients also carry a likely pathogenic/pathogenic ACVRL1 variant) (BP5; Internal lab contributors). Expression studies showed this variant causes a small reduction (approximately 18.4%) of endoglin compared to wild type (PS3_Supporting, PMID: 22192717). Due to conflicting evidence, this variant is classified as a variant of uncertain significance for autosomal dominant hereditary hemorrhagic telangiectasia based on the ACMG/AMP criteria applied, as specified by the ClinGen Hereditary Hemorrhagic Telangiectasia Variant Curation Expert Panel: PS3_Supporting, BP5 (specification version 1.0.0; 1/4/2024).

Labcorp Genetics (formerly Invitae), Labcorp
Classification: Uncertain significance for Hereditary hemorrhagic telangiectasia. Last evaluated: 2026-02-04. Review status: criteria provided, single submitter. Criteria: Invitae Variant Classification Sherloc (09022015). Collection method: clinical testing. Allele origin: germline. Not counted in ClinVar's aggregate classification.
Comment: This variant occurs in a non-coding region of the ENG gene. It does not change the encoded amino acid sequence of the ENG protein. This variant is present in population databases (rs368423516, gnomAD 0.09%), and has an allele count higher than expected for a pathogenic variant. This variant has been observed in individual(s) with clinical features of hereditary hemhorrhagic telangiectasia (PMID: 21158752, 22192717, 32300199; internal data). It has also been observed to segregate with disease in related individuals. ClinVar contains an entry for this variant (Variation ID: 414302). Studies have shown that this variant alters ENG gene expression (PMID: 22192717). In summary, the available evidence is currently insufficient to determine the role of this variant in disease. Therefore, it has been classified as a Variant of Uncertain Significance.

ARUP Laboratories, Molecular Genetics and Genomics, ARUP Laboratories
Classification: Uncertain significance for Telangiectasia, hereditary hemorrhagic, type 1. Last evaluated: 2025-04-04. Review status: criteria provided, single submitter. Criteria: ARUP Molecular Germline Variant Investigation Process 2024. Collection method: clinical testing. Allele origin: germline. Not counted in ClinVar's aggregate classification.
Comment: The ENG c.-9G>A variant (rs368423516; ClinVar Variation ID: 414302) has been described in the literature in families with hereditary hemorrhagic telangiectasia or pulmonary arterial hypertension and has been reported as a hypomorphic allele causing reduced functionality (Best 2017, Kim 2011, McDonald 2011, McDonald 2020). Additionally, this variant has been shown to cause a small reduction in translation (Damjanovich 2011). This variant is observed in the non-Finnish European population with an allele frequency of 0.08% (76/95698 alleles) in the Genome Aggregation Database (v2.1.1). The nucleotide at the -9 position is moderately conserved across mammals and creates a novel methionine translational start, leading to the inclusion of additional amino acids. However, this variant has also been found in individuals with an alternate molecular basis for disease (carried a pathogenic variant in the ACVRL1 or ENG gene; personal communication). Due to conflicting information, the significance of this variant is uncertain at this time. References: Best DH et al. EIF2AK4 Mutations in Patients Diagnosed With Pulmonary Arterial Hypertension. Chest. 2017 Apr;151(4):821-828. PMID: 27884767. Damjanovich K et al. 5'UTR mutations of ENG cause hereditary hemorrhagic telangiectasia. Orphanet J Rare Dis. 2011 Dec 22;6:85. PMID: 22192717. Kim MJ et al. Clinical and genetic analyses of three Korean families with hereditary hemorrhagic telangiectasia. BMC Med Genet. 2011 Oct 3;12:130. PMID: 21967607. McDonald J et al. Curacao diagnostic criteria for hereditary hemorrhagic telangiectasia is highly predictive of a pathogenic variant in ENG or ACVRL1 (HHT1 and HHT2). Genet Med. 2020 Jul;22(7):1201-1205. PMID: 32300199. McDonald J et al. Molecular diagnosis in hereditary hemorrhagic telangiectasia: findings in a series tested simultaneously by sequencing and deletion/duplication analysis. Clin Genet. 2011 Apr;79(4):335-44. PMID: 21158752.

Mayo Clinic Laboratories, Mayo Clinic
Classification: Uncertain significance. Last evaluated: 2025-01-27. Review status: criteria provided, single submitter. Criteria: ACMG Guidelines, 2015. Collection method: clinical testing. Allele origin: germline. Observed: 3 variant alleles. Not counted in ClinVar's aggregate classification.
Comment: BS1, PP1, PM4, PS3_supporting, PS4_moderate

GeneDx
Classification: Uncertain significance. Last evaluated: 2025-01-22. Review status: criteria provided, single submitter. Criteria: GeneDx Variant Classification Process June 2021. Collection method: clinical testing. Allele origin: germline. Affected: yes. Not counted in ClinVar's aggregate classification.
Comment: Expression studies showed this variant causes a small reduction of endoglin compared to wild type (PMID: 22192717); This variant is associated with the following publications: (PMID: 21158752, 17384219, 37848456, 27884767, 32300199, 22192717, DeMille2024[article])

Blueprint Genetics
Classification: Likely benign. Last evaluated: 2024-11-20. Review status: criteria provided, single submitter. Criteria: ACMG Guidelines, 2015. Collection method: clinical testing. Allele origin: germline. Not counted in ClinVar's aggregate classification.

Fulgent Genetics
Classification: Uncertain significance for Telangiectasia, hereditary hemorrhagic, type 1. Last evaluated: 2024-02-07. Review status: criteria provided, single submitter. Criteria: ACMG Guidelines, 2015. Collection method: clinical testing. Allele origin: germline. Not counted in ClinVar's aggregate classification.

Clinical Genomics Laboratory, Washington University in St. Louis
Classification: Uncertain significance for Telangiectasia, hereditary hemorrhagic, type 1. Last evaluated: 2023-07-26. Review status: criteria provided, single submitter. Criteria: ACMG Guidelines, 2015. Collection method: clinical testing. Allele origin: germline. Not counted in ClinVar's aggregate classification.
Comment: The ENG c.-9G>A variant has been described in families affected with HHT or pulmonary arterial hypertension and the variant has been shown to segregate with disease in at least one family (Best DH et al., PMID: 27884767; Damjanovich K et al., PMID: 22192717; McDonald J et al., PMID: 21158752). The variant is listed in the ClinVar database with discrepant classifications and the highest population minor allele frequency in the population database genome aggregation database (v.2.1.1) is 0.079% in the European population which is higher than the incidence of HHT. This variant creates a novel methionine translational start, which would be predicted to lead to the inclusion of three additional amino acids. Functional studies show this variant causes a reduced endoglin protein level (Damjanovich K et al., PMID: 22192717). Due to conflicting information, and based on ACMG/AMP guidelines for variant interpretation (Richards S et al., PMID: 25741868), the clinical significance of this variant is uncertain at this time.

Molecular Genetics, Royal Melbourne Hospital
Classification: Uncertain significance for Hereditary hemorrhagic telangiectasia. Last evaluated: 2023-07-07. Review status: criteria provided, single submitter. Criteria: ACMG Guidelines, 2015. Collection method: clinical testing. Allele origin: germline. Inheritance: Autosomal dominant inheritance. Not counted in ClinVar's aggregate classification.
Comment: This sequence change in ENG is located in the 5' untranslated region. It introduces an alternative initiation codon three residues upstream from the existing initiation codon. In vitro protein expression analyses showed the variant decreases protein expression by around 20% (PMID: 22192717). The highest population minor allele frequency in the population database gnomAD v2.1 is 0.08% (76/95,698 alleles) in the European (non-Finnish) population. This variant has been described as a hypomorphic allele and reported in at least three probands (one homozygous) with epistaxis and telangiectasia suggestive of hereditary haemorrhagic telangiectasia but without visceral arteriovenous malformations (PMID: 22192717). It has also been reported in a proband with idiopathic primary arterial hypertension (PMID: 27884767). The variant has been reported to segregate with epistaxis and telangiectasia in multiple individuals from two families (PMID: 22192717). The variant has conflicting pathogenicity interpretations in ClinVar (ID: 414302). Based on the classification scheme RMH Modified ACMG/AMP Guidelines v1.6.1, this variant is classified as a VARIANT OF UNCERTAIN SIGNIFICANCE. Following criteria are met: PP1.

NM_001114753.3(ENG):c.-9G>A

Gene: ENG (endoglin; minus strand). Cytogenetic location: 9q34.11.
Variant type: single nucleotide variant.
Coding change: c.-9G>A on transcript NM_001114753.3 (MANE Select); 9 bases upstream of the start codon, G replaced by A.
Molecular consequence: 5 prime UTR variant.
Genome position (GRCh38, 1-based): chr9:127,854,364, C>T on the plus strand (G>A on the coding strand, the complement: ENG is on the minus strand). VCF-style: chr9-127854364-C-T. GRCh37 (hg19) VCF-style: chr9-130616643-C-T.
Other names: c.-9G>A (NM_000118.4, NM_001406715.1).
Identifiers: ClinVar variation 414302 (VCV000414302.46), dbSNP rs368423516, ClinGen allele CA5253269.